The following is an entry in ClinVar:

NM_032043.3(BRIP1):c.379+10A>G

Gene: BRIP1 (BRCA1 interacting DNA helicase 1; minus strand). Cytogenetic location: 17q23.2.
Variant type: single nucleotide variant.
Coding change: c.379+10A>G on transcript NM_032043.3 (MANE Select); 10 bases into the intron after coding-DNA position 379, A replaced by G.
Molecular consequence: intron variant.
Genome position (GRCh38, 1-based): chr17:61,857,048, T>C on the plus strand (A>G on the coding strand, the complement: BRIP1 is on the minus strand). VCF-style: chr17-61857048-T-C. GRCh37 (hg19) VCF-style: chr17-59934409-T-C.
Identifiers: ClinVar variation 2940790 (VCV002940790.4), dbSNP rs2145825645, ClinGen allele CA2576345243.
Genomic context (GRCh38, chr17:61,857,048, plus strand): 5'-AGGGCTTATAACAGTAATAATTAAGACTCTTATTACAGATATCAACTGACCCAGGCAAAA[T>C]ATAAATTACCTTGACAAGTTGATGAAGTGCCATTTCTTTCAGAAGGTGGTGTGCTTGGAT-3'

ClinVar aggregate classification (germline): Likely benign. Review status: criteria provided, multiple submitters, no conflicts (2 of 4 stars). 2 submissions from 2 submitters: Likely benign (2). Last evaluated 2024-08-21.

Conditions:
Fanconi anemia complementation group J. Also called: BRIP1-Related Fanconi Anemia. Identifiers: Orphanet 84, MedGen C1836860, MONDO:0012187, OMIM 609054.
Familial cancer of breast. Also called: BREAST CANCER, FAMILIAL; Hereditary breast cancer; hereditary breast carcinoma. Identifiers: Orphanet 227535, MedGen C0346153, MONDO:0016419, OMIM 114480. Disease mechanism: loss of function.

Allele frequency attached by ClinVar (database versions not stated): gnomAD exomes below 0.00001.
gnomAD v4.1: 1 of 1,613,218 alleles (0.000062%); highest among the groups gnomAD compares: Non-Finnish European, 0.000085%; no homozygotes.

Submissions (2):

Myriad Genetics, Inc.
Classification: Likely benign for Familial cancer of breast. Last evaluated: 2024-08-21. Review status: criteria provided, single submitter. Criteria: Myriad Autosomal Dominant, Autosomal Recessive and X-Linked Classification Criteria (2023). Collection method: clinical testing. Allele origin: unknown.
Comment: This variant is considered likely benign. This variant is intronic and is not expected to impact mRNA splicing.

Labcorp Genetics (formerly Invitae), Labcorp
Classification: Likely benign for Familial cancer of breast; Fanconi anemia complementation group J. Last evaluated: 2024-01-04. Review status: criteria provided, single submitter. Criteria: Invitae Variant Classification Sherloc (09022015). Collection method: clinical testing. Allele origin: germline.